The following is an entry in ClinVar:

NM_002602.4(PDE6G):c.83C>A (p.Pro28His)

Gene: PDE6G (phosphodiesterase 6G; minus strand). Cytogenetic location: 17q25.3.
Variant type: single nucleotide variant.
Coding change: c.83C>A on transcript NM_002602.4 (MANE Select); coding-DNA position 83, C replaced by A.
Protein change: p.Pro28His; replaces proline 28 with histidine.
Molecular consequence: missense variant.
Genome position (GRCh38, 1-based): chr17:81,653,223, G>T on the plus strand (C>A on the coding strand, the complement: PDE6G is on the minus strand). VCF-style: chr17-81653223-G-T. GRCh37 (hg19) VCF-style: chr17-79620253-G-T.
Other names: c.83C>A, p.Pro28His (NM_001365724.1, NM_001365725.1); short protein forms P28H.
Identifiers: ClinVar variation 1450371 (VCV001450371.8), dbSNP rs2144401499, ClinGen allele CA401474480.

ClinVar aggregate classification (germline): Uncertain significance (1 of 4 stars; one submission).

Submission:

Labcorp Genetics (formerly Invitae), Labcorp
Classification: Uncertain significance. Last evaluated: 2022-07-19. Review status: criteria provided, single submitter. Criteria: Invitae Variant Classification Sherloc (09022015). Collection method: clinical testing. Allele origin: germline.
Comment: This sequence change replaces proline, which is neutral and non-polar, with histidine, which is basic and polar, at codon 28 of the PDE6G protein (p.Pro28His). This variant is not present in population databases (gnomAD no frequency). This variant has not been reported in the literature in individuals affected with PDE6G-related conditions. ClinVar contains an entry for this variant (Variation ID: 1450371). In summary, the available evidence is currently insufficient to determine the role of this variant in disease. Therefore, it has been classified as a Variant of Uncertain Significance. Algorithms developed to predict the effect of missense changes on protein structure and function (SIFT, PolyPhen-2, Align-GVGD) all suggest that this variant is likely to be disruptive.